The following is an entry in ClinVar:

ClinVar aggregate classification (germline): Uncertain significance (1 of 4 stars; one submission).

Conditions:
Peroxisome biogenesis disorder, complementation group K (CGK). Identifiers: MedGen C1866257, MONDO:0800365.

Allele frequency attached by ClinVar (database versions not stated): ExAC 0.00002.
gnomAD v4.1: 2 of 1,612,944 alleles (0.00012%); highest among the groups gnomAD compares: Non-Finnish European, 0.000085%; no homozygotes.

Submission:

Labcorp Genetics (formerly Invitae), Labcorp
Classification: Uncertain significance for Peroxisome biogenesis disorder, complementation group K. Last evaluated: 2022-08-21. Review status: criteria provided, single submitter. Criteria: Invitae Variant Classification Sherloc (09022015). Collection method: clinical testing. Allele origin: germline.
Comment: This sequence change replaces glycine, which is neutral and non-polar, with arginine, which is basic and polar, at codon 344 of the PEX14 protein (p.Gly344Arg). In summary, the available evidence is currently insufficient to determine the role of this variant in disease. Therefore, it has been classified as a Variant of Uncertain Significance. Algorithms developed to predict the effect of missense changes on protein structure and function are either unavailable or do not agree on the potential impact of this missense change (SIFT: "Tolerated"; PolyPhen-2: "Possibly Damaging"; Align-GVGD: "Class C0"). This variant has not been reported in the literature in individuals affected with PEX14-related conditions. This variant is present in population databases (rs762029686, gnomAD 0.002%).

NM_004565.3(PEX14):c.1030G>C (p.Gly344Arg)

Gene: PEX14 (peroxisomal biogenesis factor 14; plus strand). Cytogenetic location: 1p36.22.
Variant type: single nucleotide variant.
Coding change: c.1030G>C on transcript NM_004565.3 (MANE Select); coding-DNA position 1030, G replaced by C.
Protein change: p.Gly344Arg; replaces glycine 344 with arginine.
Molecular consequence: missense variant.
Genome position (GRCh38, 1-based): chr1:10,629,883, G>C. VCF-style: chr1-10629883-G-C. GRCh37 (hg19) VCF-style: chr1-10689940-G-C.
Other names: short protein forms G344R.
Identifiers: ClinVar variation 1717466 (VCV001717466.5), dbSNP rs762029686, ClinGen allele CA584021.